The following is an entry in ClinVar:

NM_006389.5(HYOU1):c.2511-7C>T

Gene: HYOU1 (hypoxia up-regulated 1; minus strand). Cytogenetic location: 11q23.3.
Variant type: single nucleotide variant.
Coding change: c.2511-7C>T on transcript NM_006389.5 (MANE Select); 7 bases into the intron before coding-DNA position 2511, C replaced by T.
Molecular consequence: intron variant.
Genome position (GRCh38, 1-based): chr11:119,047,825, G>A on the plus strand (C>T on the coding strand, the complement: HYOU1 is on the minus strand). VCF-style: chr11-119047825-G-A. GRCh37 (hg19) VCF-style: chr11-118918537-G-A.
Other names: c.2511-7C>T (NM_006389.4, NM_001130991.3).
Identifiers: ClinVar variation 1167178 (VCV001167178.13), dbSNP rs7931970, ClinGen allele CA229617954.

ClinVar aggregate classification (germline): Benign. Review status: criteria provided, multiple submitters, no conflicts (2 of 4 stars). 4 submissions from 4 submitters: Benign (3). 1 of the submissions does not count toward it. Last evaluated 2026-02-02.

Conditions:
HYOU1-related disorder. Also called: HYOU1-related condition.

Allele frequency attached by ClinVar (database versions not stated): TOPMed 0.04648; 1000 Genomes Project 30x 0.04825; gnomAD exomes 0.00481; gnomAD 0.04370 and 0.04068.
gnomAD v4.1: 13,569 of 1,613,754 alleles (0.84%); highest among the groups gnomAD compares: African/African-American, 14%; 803 homozygotes.

Submissions (4):

Labcorp Genetics (formerly Invitae), Labcorp
Classification: Benign. Last evaluated: 2026-02-02. Review status: criteria provided, single submitter. Criteria: Invitae Variant Classification Sherloc (09022015). Collection method: clinical testing. Allele origin: germline.

Women's Health and Genetics/Laboratory Corporation of America, LabCorp
Classification: Benign. Last evaluated: 2026-01-21. Review status: criteria provided, single submitter. Criteria: LabCorp Variant Classification Summary - May 2015. Collection method: clinical testing. Allele origin: germline.

Breakthrough Genomics
Classification: Benign. Review status: criteria provided, single submitter. Criteria: ACMG Guidelines, 2015. Collection method: not provided. Allele origin: germline. Inheritance: Autosomal recessive inheritance. Affected: yes.

PreventionGenetics, part of Exact Sciences
Classification: Benign for HYOU1-related condition. Last evaluated: 2019-07-01. Review status: no assertion criteria provided. Collection method: clinical testing. Allele origin: germline. Not counted in ClinVar's aggregate classification.
Comment: This variant is classified as benign based on ACMG/AMP sequence variant interpretation guidelines (Richards et al. 2015 PMID: 25741868, with internal and published modifications).